The following is an entry in ClinVar:

NM_000081.4(LYST):c.10170A>G (p.Ala3390=)

Gene: LYST (lysosomal trafficking regulator; minus strand). Cytogenetic location: 1q42.3.
Variant type: single nucleotide variant.
Coding change: c.10170A>G on transcript NM_000081.4 (MANE Select); coding-DNA position 10170, A replaced by G.
Protein change: p.Ala3390=; no amino-acid change (alanine 3390 retained).
Molecular consequence: synonymous variant.
Genome position (GRCh38, 1-based): chr1:235,702,951, T>C on the plus strand (A>G on the coding strand, the complement: LYST is on the minus strand). VCF-style: chr1-235702951-T-C. GRCh37 (hg19) VCF-style: chr1-235866251-T-C.
Other names: c.10170A>G, p.Ala3390= (NM_001301365.1); c.10170A>G (NM_000081.3).
Identifiers: ClinVar variation 1540106 (VCV001540106.10), dbSNP rs773560633, ClinGen allele CA1465426.
Genomic context (GRCh38, chr1:235,702,951, plus strand): 5'-AGTCTGCCCGTAGGTTTTTATCATGGTTTCTAGCGCTCGTCTCTGAACTGGATCTTCAAC[T>C]GCAGAGACATCCATTCCAAAATATGTCTGCAGAGTGAAAGAGTAAAGGAACAAGACATAT-3'
Protein context (NP_000072.2, residues 3380-3400): PATYFGMDVS[Ala3390=]VEDPVQRRAL

ClinVar aggregate classification (germline): Likely benign. Review status: criteria provided, multiple submitters, no conflicts (2 of 4 stars). 3 submissions from 3 submitters: Likely benign (2). 1 of the submissions does not count toward it. Last evaluated 2024-10-23.

Conditions:
LYST-related disorder. Also called: LYST-related condition.
Chédiak-Higashi syndrome (CHS). Also called: Chediak-Higashi Syndrome. Identifiers: Orphanet 167, MedGen C0007965, MONDO:0008963, OMIM 214500.

Allele frequency attached by ClinVar (database versions not stated): TOPMed below 0.00001; ExAC 0.00001; gnomAD 0.00001; gnomAD exomes 0.00001.
gnomAD v4.1: 19 of 1,613,862 alleles (0.0012%); highest among the groups gnomAD compares: Non-Finnish European, 0.0016%; no homozygotes.

Submissions (3):

Labcorp Genetics (formerly Invitae), Labcorp
Classification: Likely benign for Chédiak-Higashi syndrome. Last evaluated: 2024-10-23. Review status: criteria provided, single submitter. Criteria: Invitae Variant Classification Sherloc (09022015). Collection method: clinical testing. Allele origin: germline.

Blueprint Genetics
Classification: Likely benign. Last evaluated: 2023-09-07. Review status: criteria provided, single submitter. Criteria: ACMG Guidelines, 2015. Collection method: clinical testing. Allele origin: germline.

PreventionGenetics, part of Exact Sciences
Classification: Likely benign for LYST-related condition. Last evaluated: 2020-08-03. Review status: no assertion criteria provided. Collection method: clinical testing. Allele origin: germline. Not counted in ClinVar's aggregate classification.
Comment: This variant is classified as likely benign based on ACMG/AMP sequence variant interpretation guidelines (Richards et al. 2015 PMID: 25741868, with internal and published modifications).